The following is an entry in ClinVar:

NM_181523.3(PIK3R1):c.1768C>T (p.Arg590Trp)

Gene: PIK3R1 (phosphoinositide-3-kinase regulatory subunit 1; plus strand). Cytogenetic location: 5q13.1.
Variant type: single nucleotide variant.
Coding change: c.1768C>T on transcript NM_181523.3 (MANE Select); coding-DNA position 1768, C replaced by T.
Protein change: p.Arg590Trp; replaces arginine 590 with tryptophan.
Molecular consequence: missense variant.
Genome position (GRCh38, 1-based): chr5:68,295,442, C>T. VCF-style: chr5-68295442-C-T. GRCh37 (hg19) VCF-style: chr5-67591270-C-T.
Other names: c.679C>T, p.Arg227Trp (NM_001242466.2); c.958C>T, p.Arg320Trp (NM_181504.4); c.868C>T, p.Arg290Trp (NM_181524.2); short protein forms R227W, R290W, R590W, R320W.
Identifiers: ClinVar variation 4791356 (VCV004791356.1).

ClinVar aggregate classification (germline): Uncertain significance (1 of 4 stars; one submission).

Conditions:
Agammaglobulinemia 7, autosomal recessive (AGM7). Also called: AGAMMAGLOBULINEMIA, AUTOSOMAL RECESSIVE, DUE TO PIK3R1 DEFECT. Identifiers: MedGen C3554689, MONDO:0014083, OMIM 615214.
SHORT syndrome. Also called: SHORT STATURE, HYPEREXTENSIBILITY, HERNIA, OCULAR DEPRESSION, RIEGER ANOMALY, AND TEETHING DELAY; LIPODYSTROPHY, PARTIAL, WITH RIEGER ANOMALY AND SHORT STATURE; PIK3R1-Related SHORT Syndrome. Identifiers: Orphanet 3163, MedGen C0878684, MONDO:0010026, OMIM 269880.
Immunodeficiency 36 with lymphoproliferation. Also called: Immunodeficiency 36; Activated PI3K Delta Syndrome Type 2 (APDS2); ACTIVATED PI3K-DELTA SYNDROME 2. Identifiers: Orphanet 397596, Orphanet 693681, MedGen C4014934, MONDO:0014453, OMIM 616005.

gnomAD v4.1: 7 of 1,614,034 alleles (0.00043%); highest among the groups gnomAD compares: South Asian, 0.0011%; no homozygotes.

Submission:

Labcorp Genetics (formerly Invitae), Labcorp
Classification: Uncertain significance for SHORT syndrome; Immunodeficiency 36 with lymphoproliferation; Agammaglobulinemia 7, autosomal recessive. Last evaluated: 2025-11-21. Review status: criteria provided, single submitter. Criteria: Invitae Variant Classification Sherloc (09022015). Collection method: clinical testing. Allele origin: germline.
Comment: This sequence change replaces arginine, which is basic and polar, with tryptophan, which is neutral and slightly polar, at codon 590 of the PIK3R1 protein (p.Arg590Trp). This variant is present in population databases (no rsID available, gnomAD 0.003%). This variant has not been reported in the literature in individuals affected with PIK3R1-related conditions. Invitae Evidence Modeling of protein sequence and biophysical properties (such as structural, functional, and spatial information, amino acid conservation, physicochemical variation, residue mobility, and thermodynamic stability) has been performed for this missense variant. However, the output from this modeling did not meet the statistical confidence thresholds required to predict the impact of this variant on PIK3R1 protein function. In summary, the available evidence is currently insufficient to determine the role of this variant in disease. Therefore, it has been classified as a Variant of Uncertain Significance.